The following is an entry in ClinVar:

NM_001018113.3(FANCB):c.1975T>C (p.Cys659Arg)

Gene: FANCB (FA complementation group B; minus strand). Cytogenetic location: Xp22.2.
Variant type: single nucleotide variant.
Coding change: c.1975T>C on transcript NM_001018113.3 (MANE Select); coding-DNA position 1975, T replaced by C.
Protein change: p.Cys659Arg; replaces cysteine 659 with arginine.
Molecular consequence: missense variant.
Genome position (GRCh38, 1-based): chrX:14,844,693, A>G on the plus strand (T>C on the coding strand, the complement: FANCB is on the minus strand). VCF-style: chrX-14844693-A-G. GRCh37 (hg19) VCF-style: chrX-14862815-A-G.
Other names: c.1975T>C, p.Cys659Arg (NM_001324162.2, NM_001410764.1, NM_152633.4); short protein forms C659R.
Identifiers: ClinVar variation 4084683 (VCV004084683.8).

ClinVar aggregate classification (germline): Uncertain significance (1 of 4 stars; one submission).

Submission:

CeGaT Center for Human Genetics Tuebingen
Classification: Uncertain significance. Last evaluated: 2025-08-01. Review status: criteria provided, single submitter. Criteria: CeGaT Center For Human Genetics Tuebingen Variant Classification Criteria Version 2. Collection method: clinical testing. Allele origin: germline. Affected: yes. Observed: 1 variant allele.
Comment: FANCB: PM2, BP4